The following is an entry in ClinVar:

NM_017950.4(CCDC40):c.1414C>T (p.Arg472Trp)

Gene: CCDC40 (coiled-coil domain 40 molecular ruler complex subunit; plus strand). Cytogenetic location: 17q25.3.
Variant type: single nucleotide variant.
Coding change: c.1414C>T on transcript NM_017950.4 (MANE Select); coding-DNA position 1414, C replaced by T.
Protein change: p.Arg472Trp; replaces arginine 472 with tryptophan.
Molecular consequence: missense variant.
Genome position (GRCh38, 1-based): chr17:80,058,954, C>T. VCF-style: chr17-80058954-C-T. GRCh37 (hg19) VCF-style: chr17-78032753-C-T.
Other names: c.1414C>T, p.Arg472Trp (NM_001243342.2, NM_001330508.2); short protein forms R472W.
Identifiers: ClinVar variation 659522 (VCV000659522.17), dbSNP rs187993089, ClinGen allele CA8813812.

ClinVar aggregate classification (germline): Uncertain significance. Review status: criteria provided, multiple submitters, no conflicts (2 of 4 stars). 6 submissions from 6 submitters: Uncertain significance (6). Last evaluated 2024-05-28.

Conditions:
Primary ciliary dyskinesia. Also called: Ciliary dyskinesia. Identifiers: Orphanet 244, MedGen C0008780, MONDO:0016575, HP:0012265.
Primary ciliary dyskinesia 15. Also called: CILIARY DYSKINESIA, PRIMARY, 15, WITH OR WITHOUT SITUS INVERSUS. Identifiers: Orphanet 244, MedGen C3151137, MONDO:0013435, OMIM 613808.

Allele frequency attached by ClinVar (database versions not stated): TOPMed 0.00016; 1000 Genomes Project 0.00020; gnomAD 0.00020 and 0.00021; gnomAD exomes 0.00022 and 0.00036; ExAC 0.00026; ESP Exome Variant Server 0.00040.
gnomAD v4.1: 545 of 1,614,134 alleles (0.034%); highest among the groups gnomAD compares: Middle Eastern, 0.049%; 1 homozygote.

Submissions (6):

Blueprint Genetics
Classification: Uncertain significance. Last evaluated: 2024-05-28. Review status: criteria provided, single submitter. Criteria: ACMG Guidelines, 2015. Collection method: clinical testing. Allele origin: germline.

Ambry Genetics
Classification: Uncertain significance for Primary ciliary dyskinesia. Last evaluated: 2024-05-21. Review status: criteria provided, single submitter. Criteria: Ambry Variant Classification Scheme 2023. Collection method: clinical testing. Allele origin: germline.

Labcorp Genetics (formerly Invitae), Labcorp
Classification: Uncertain significance for Primary ciliary dyskinesia. Last evaluated: 2022-08-09. Review status: criteria provided, single submitter. Criteria: Invitae Variant Classification Sherloc (09022015). Collection method: clinical testing. Allele origin: germline.
Comment: This sequence change replaces arginine, which is basic and polar, with tryptophan, which is neutral and slightly polar, at codon 472 of the CCDC40 protein (p.Arg472Trp). This variant is present in population databases (rs187993089, gnomAD 0.04%). This variant has not been reported in the literature in individuals affected with CCDC40-related conditions. ClinVar contains an entry for this variant (Variation ID: 659522). Algorithms developed to predict the effect of missense changes on protein structure and function are either unavailable or do not agree on the potential impact of this missense change (SIFT: "Deleterious"; PolyPhen-2: "Possibly Damaging"; Align-GVGD: "Class C15"). In summary, the available evidence is currently insufficient to determine the role of this variant in disease. Therefore, it has been classified as a Variant of Uncertain Significance.

Fulgent Genetics
Classification: Uncertain significance for Primary ciliary dyskinesia 15. Last evaluated: 2021-11-25. Review status: criteria provided, single submitter. Criteria: ACMG Guidelines, 2015. Collection method: clinical testing. Allele origin: unknown.

UNC Molecular Genetics  Laboratory, University of North Carolina at Chapel Hill
Classification: Uncertain significance for Primary ciliary dyskinesia. Last evaluated: 2021-07-27. Review status: criteria provided, single submitter. Criteria: ACMG Guidelines, 2015. Collection method: clinical testing. Allele origin: germline. Observed: 1 heterozygote.

Illumina Laboratory Services, Illumina
Classification: Uncertain significance for Primary ciliary dyskinesia 15. Last evaluated: 2018-01-13. Review status: criteria provided, single submitter. Criteria: ICSL Variant Classification Criteria 13 December 2019. Collection method: clinical testing. Allele origin: germline.